The following is an entry in ClinVar:

NM_018263.6(ASXL2):c.1860+3A>G

Gene: ASXL2 (ASXL transcriptional regulator 2; minus strand). Cytogenetic location: 2p23.3.
Variant type: single nucleotide variant.
Coding change: c.1860+3A>G on transcript NM_018263.6 (MANE Select); 3 bases into the intron after coding-DNA position 1860, A replaced by G.
Molecular consequence: intron variant.
Genome position (GRCh38, 1-based): chr2:25,749,693, T>C on the plus strand (A>G on the coding strand, the complement: ASXL2 is on the minus strand). VCF-style: chr2-25749693-T-C. GRCh37 (hg19) VCF-style: chr2-25972562-T-C.
Other names: c.1686+3A>G (NM_001369346.1); c.1080+3A>G (NM_001369347.1).
Identifiers: ClinVar variation 1379185 (VCV001379185.16), dbSNP rs752741419, ClinGen allele CA1557748.
Genomic context (GRCh38, chr2:25,749,693, plus strand): 5'-GGTATGACCAAAAACATAGGGTTCAGACGATCTCTGCTTTTCTAATTCTCTCCATTCTCT[T>C]ACCTTGAGAGGTGGTACTTTTCGCACCTGGATTCTGTCCCCTCTATTGAGAAAGGGCTGT-3'

ClinVar aggregate classification (germline): Benign/Likely benign. Review status: criteria provided, multiple submitters, no conflicts (2 of 4 stars). 2 submissions from 2 submitters: Benign (1); Likely benign (1). Last evaluated 2025-06-01.

Allele frequency attached by ClinVar (database versions not stated): gnomAD 0.00001; gnomAD exomes 0.00001 and 0.00003; TOPMed 0.00002; ExAC 0.00005.
gnomAD v4.1: 10 of 1,511,148 alleles (0.00066%); highest among the groups gnomAD compares: Admixed American, 0.016%; no homozygotes.

Submissions (2):

CeGaT Center for Human Genetics Tuebingen
Classification: Likely benign. Last evaluated: 2025-06-01. Review status: criteria provided, single submitter. Criteria: CeGaT Center For Human Genetics Tuebingen Variant Classification Criteria Version 2. Collection method: clinical testing. Allele origin: germline. Affected: yes. Observed: 1 variant allele.
Comment: ASXL2: BP4

Labcorp Genetics (formerly Invitae), Labcorp
Classification: Benign. Last evaluated: 2025-02-11. Review status: criteria provided, single submitter. Criteria: Invitae Variant Classification Sherloc (09022015). Collection method: clinical testing. Allele origin: germline.